The following is an entry in ClinVar:

NM_003587.5(DHX16):c.1216G>A (p.Glu406Lys)

Gene: DHX16 (DEAH-box helicase 16; minus strand). Cytogenetic location: 6p21.33.
Variant type: single nucleotide variant.
Coding change: c.1216G>A on transcript NM_003587.5 (MANE Select); coding-DNA position 1216, G replaced by A.
Protein change: p.Glu406Lys; replaces glutamic acid 406 with lysine.
Molecular consequence: missense variant. On other transcripts: 5 prime UTR variant (1).
Genome position (GRCh38, 1-based): chr6:30,664,902, C>T on the plus strand (G>A on the coding strand, the complement: DHX16 is on the minus strand). VCF-style: chr6-30664902-C-T. GRCh37 (hg19) VCF-style: chr6-30632679-C-T.
Other names: c.1036G>A, p.Glu346Lys (NM_001164239.2); c.-904G>A (NM_001363515.2); short protein forms E346K, E406K.
Identifiers: ClinVar variation 3357908 (VCV003357908.1).

ClinVar aggregate classification (germline): Uncertain significance (0 of 4 stars; one submission).

Conditions:
DHX16-related disorder. Also called: DHX16-related condition.

Submission:

PreventionGenetics, part of Exact Sciences
Classification: Uncertain significance for DHX16-related condition. Last evaluated: 2024-08-08. Review status: no assertion criteria provided. Collection method: clinical testing. Allele origin: germline.
Comment: The DHX16 c.1216G>A variant is predicted to result in the amino acid substitution p.Glu406Lys. To our knowledge, this variant has not been reported in the literature or in a large population database, indicating this variant is rare. At this time, the clinical significance of this variant is uncertain due to the absence of conclusive functional and genetic evidence.